The following is an entry in ClinVar:

ClinVar aggregate classification (germline): Pathogenic. Review status: criteria provided, multiple submitters, no conflicts (2 of 4 stars). 3 submissions from 3 submitters: Pathogenic (3). Last evaluated 2025-12-11.

Conditions:
Inborn genetic diseases. Identifiers: MedGen C0950123, MeSH D030342.
Hereditary spastic paraplegia 39 (SPG39). Also called: Spastic Paraplegia Type 39 (SPG39); SPASTIC PARAPLEGIA 39, AUTOSOMAL RECESSIVE. Identifiers: Orphanet 139480, MedGen C2677586, MONDO:0012787, OMIM 612020.
PNPLA6-related disorder. Also called: PNPLA6-related condition; PNPLA6-related disorders.

Submissions (3):

Labcorp Genetics (formerly Invitae), Labcorp
Classification: Pathogenic for Hereditary spastic paraplegia 39. Last evaluated: 2025-12-11. Review status: criteria provided, single submitter. Criteria: Invitae Variant Classification Sherloc (09022015). Collection method: clinical testing. Allele origin: germline.
Comment: This sequence change creates a premature translational stop signal (p.Leu366Serfs*28) in the PNPLA6 gene. It is expected to result in an absent or disrupted protein product. Loss-of-function variants in PNPLA6 are known to be pathogenic (PMID: 24355708). This variant is present in population databases (rs765307463, gnomAD 0.004%). This premature translational stop signal has been observed in individual(s) with Oliver McFarlane syndrome (PMID: 25574898). This variant is also known as c.1238_1239insC, p.Pro413fs*28. ClinVar contains an entry for this variant (Variation ID: 939246). Algorithms developed to predict the effect of sequence changes on RNA splicing suggest that this variant may disrupt the consensus splice site. For these reasons, this variant has been classified as Pathogenic.

Ambry Genetics
Classification: Pathogenic for Inborn genetic diseases. Last evaluated: 2021-08-14. Review status: criteria provided, single submitter. Criteria: Ambry Variant Classification Scheme 2023. Collection method: clinical testing. Allele origin: germline.
Comment: The c.1094dupC (p.L366Sfs*28) alteration, located in exon 13 (coding exon 11) of the PNPLA6 gene, consists of a duplication of C at position 1094, causing a translational frameshift with a predicted alternate stop codon after 28 amino acids. This alteration is expected to result in loss of function by premature protein truncation or nonsense-mediated mRNA decay. This variant was detected in an individual with Oliver-McFarlane syndrome; however, it was unclear if a second alteration in PNPLA6 was detected (Kmoch, 2015). Based on the available evidence, this alteration is classified as pathogenic.

Blueprint Genetics
Classification: Pathogenic for PNPLA6-related disorders. Last evaluated: 2019-11-15. Review status: criteria provided, single submitter. Criteria: ACMG Guidelines, 2015. Collection method: clinical testing. Allele origin: germline. Affected: yes. Observed: 3 variant alleles.

Literature cited by the submitters: PubMed 24355708 (cited by Labcorp Genetics (formerly Invitae), Labcorp); PubMed 25574898 (cited by Labcorp Genetics (formerly Invitae), Labcorp and Ambry Genetics).

NM_001166114.2(PNPLA6):c.1211dup (p.Leu405fs)

Gene: PNPLA6 (patatin like domain 6, lysophospholipase; plus strand). Cytogenetic location: 19p13.2.
Variant type: Duplication.
Coding change: c.1211dup on transcript NM_001166114.2 (MANE Select); coding-DNA position 1211, one base duplicated (C; older notation c.1211dupC).
Protein change: p.Leu405fs; shifts the reading frame from leucine 405.
Molecular consequence: frameshift variant.
Genome position (GRCh38, 1-based): chr19:7,542,026, C duplicated; the last of 4 consecutive C bases (chr19:7,542,023-7,542,026); duplicating any one gives the same sequence. VCF-style (leftmost placement, unchanged base first): chr19-7542022-G-GC. GRCh37 (hg19) VCF-style: chr19-7606908-G-GC.
Other names: c.1094dupC (NM_006702.4); c.1238dup, p.Leu414fs (NM_001166111.2); c.1094dup, p.Leu366fs (NM_001166112.2, NM_001166113.1, NM_006702.5); short protein forms L366fs, L405fs, L414fs.
Identifiers: ClinVar variation 939246 (VCV000939246.9), dbSNP rs765307463, ClinGen allele CA9139714.